The following is an entry in ClinVar:

NM_000136.3(FANCC):c.1640C>G (p.Ala547Gly)

Genes: AOPEP (aminopeptidase O (putative); plus strand), FANCC (FA complementation group C; minus strand). Cytogenetic location: 9q22.32.
Variant type: single nucleotide variant.
Coding change: c.1640C>G on transcript NM_000136.3 (MANE Select); coding-DNA position 1640, C replaced by G.
Protein change: p.Ala547Gly; replaces alanine 547 with glycine.
Molecular consequence: missense variant.
Genome position (GRCh38, 1-based): chr9:95,101,744, G>C on the plus strand (C>G on the coding strand, the complement: FANCC is on the minus strand). VCF-style: chr9-95101744-G-C. GRCh37 (hg19) VCF-style: chr9-97864026-G-C.
Other names: c.1640C>G, p.Ala547Gly (NM_001243743.2); short protein forms A547G.
Identifiers: ClinVar variation 1777027 (VCV001777027.2), dbSNP rs2071083482, ClinGen allele CA374104322.

ClinVar aggregate classification (germline): Uncertain significance (1 of 4 stars; one submission).

Conditions:
Hereditary cancer-predisposing syndrome. Also called: Neoplastic Syndromes, Hereditary; Tumor predisposition; Hereditary Cancer Syndrome; Hereditary neoplastic syndrome. Identifiers: Orphanet 140162, MedGen C0027672, MeSH D009386, MONDO:0015356.

Submission:

Ambry Genetics
Classification: Uncertain significance for Hereditary cancer-predisposing syndrome. Last evaluated: 2022-04-22. Review status: criteria provided, single submitter. Criteria: Ambry Variant Classification Scheme 2023. Collection method: clinical testing. Allele origin: germline.
Comment: The p.A547G variant (also known as c.1640C>G), located in coding exon 14 of the FANCC gene, results from a C to G substitution at nucleotide position 1640. The alanine at codon 547 is replaced by glycine, an amino acid with similar properties. This amino acid position is conserved. In addition, this alteration is predicted to be tolerated by in silico analysis. Since supporting evidence is limited at this time, the clinical significance of this alteration remains unclear.